The following is an entry in ClinVar:

GRCh37/hg19 3q26.1(chr3:164714302-164716481)

Gene: SI (sucrase-isomaltase; minus strand). Cytogenetic location: 3q26.1.
Variant type: copy number loss.
Identifiers: ClinVar variation 1179169 (VCV001179169.2).

ClinVar aggregate classification (germline): Likely pathogenic (0 of 4 stars; one submission).

Conditions:
Sucrase-isomaltase deficiency (CSID). Also called: Deficiency of isomaltase; SI DEFICIENCY; Congenital sucrose isomaltose malabsorption; Sucrose isomaltose enzyme deficiency. Identifiers: Orphanet 35122, MedGen C1283620, MONDO:0009114, OMIM 222900.

Submission:

Fulgent Genetics
Classification: Likely pathogenic for Sucrase-isomaltase deficiency. Review status: no assertion criteria provided. Collection method: clinical testing. Allele origin: unknown.
Comment: This variant has been detected in individual(s) who were sent for testing of Renasight - kidney gene panel.